The following is an entry in ClinVar:

ClinVar aggregate classification (germline): Pathogenic (1 of 4 stars; one submission).

Submission:

Labcorp Genetics (formerly Invitae), Labcorp
Classification: Pathogenic. Last evaluated: 2023-12-29. Review status: criteria provided, single submitter. Criteria: Invitae Variant Classification Sherloc (09022015). Collection method: clinical testing. Allele origin: germline.
Comment: This sequence change creates a premature translational stop signal (p.Gly894Valfs*3) in the ATP8B1 gene. It is expected to result in an absent or disrupted protein product. Loss-of-function variants in ATP8B1 are known to be pathogenic (PMID: 15239083, 22525741). This variant is not present in population databases (gnomAD no frequency). This variant has not been reported in the literature in individuals affected with ATP8B1-related conditions. For these reasons, this variant has been classified as Pathogenic.

Literature cited by the submitters: PubMed 15239083; PubMed 22525741.

NM_001374385.1(ATP8B1):c.2680_2681insTTATATAGATGAACGTG (p.Gly894delinsValIleTer)

Genes: ATP8B1 (ATPase phospholipid transporting 8B1; minus strand), ATP8B1-AS1 (ATP8B1 antisense RNA 1; plus strand). Cytogenetic location: 18q21.31.
Variant type: Insertion.
Coding change: c.2680_2681insTTATATAGATGAACGTG on transcript NM_001374385.1 (MANE Select); coding-DNA positions 2680 to 2681, TTATATAGATGAACGTG inserted.
Protein change: p.Gly894delinsValIleTer.
Molecular consequence: nonsense.
Genome position: GRCh38 VCF-style: chr18-57661200-C-CCACGTTCATCTATATAA. GRCh37 (hg19) VCF-style: chr18-55328432-C-CCACGTTCATCTATATAA.
Other names: c.2530_2531insTTATATAGATGAACGTG, p.Gly844delinsValIleTer (NM_001374386.1); c.2680_2681insTTATATAGATGAACGTG, p.Gly894delinsValIleTer (NM_005603.6).
Identifiers: ClinVar variation 2706283 (VCV002706283.3), dbSNP rs2511652298, ClinGen allele CA2641952066.